The following is an entry in ClinVar:

ClinVar aggregate classification (germline): Uncertain significance. Review status: criteria provided, multiple submitters, no conflicts (2 of 4 stars). 5 submissions from 5 submitters: Uncertain significance (4). 1 of the submissions does not count toward it. Last evaluated 2024-11-18.

Conditions:
Familial cancer of breast. Also called: BREAST CANCER, FAMILIAL; Hereditary breast cancer; hereditary breast carcinoma. Identifiers: Orphanet 227535, MedGen C0346153, MONDO:0016419, OMIM 114480. Disease mechanism: loss of function.
Hereditary cancer-predisposing syndrome. Also called: Hereditary neoplastic syndrome; Neoplastic Syndromes, Hereditary; Tumor predisposition; Hereditary Cancer Syndrome. Identifiers: Orphanet 140162, MedGen C0027672, MeSH D009386, MONDO:0015356.
Ataxia-telangiectasia syndrome (AT). Also called: LOUIS-BAR SYNDROME; Cerebello-oculocutaneous telangiectasia; Immunodeficiency with ataxia telangiectasia; AT, COMPLEMENTATION GROUP C; Ataxia-telangiectasia, complementation group D; ATAXIA-TELANGIECTASIA, COMPLEMENTATION GROUP A. Identifiers: Orphanet 100, MedGen C0004135, MONDO:0008840, OMIM 208900.

Allele frequency attached by ClinVar (database versions not stated): gnomAD exomes below 0.00001.
gnomAD v4.1: 1 of 1,606,870 alleles (0.000062%); highest among the groups gnomAD compares: Non-Finnish European, 0.000085%; no homozygotes.

Submissions (5):

Ambry Genetics
Classification: Uncertain significance for Hereditary cancer-predisposing syndrome. Last evaluated: 2024-11-18. Review status: criteria provided, single submitter. Criteria: Ambry Variant Classification Scheme 2023. Collection method: clinical testing. Allele origin: germline.
Comment: The c.2466+4A>C intronic variant results from an A to C substitution 4 nucleotides after coding exon 15 in the ATM gene. This nucleotide position is highly conserved in available vertebrate species. Using the BDGP and ESEfinder splice site prediction tools, this alteration is predicted to weaken the efficiency of the native splice donor site; however, direct evidence is unavailable. Since supporting evidence is limited at this time, the clinical significance of this alteration remains unclear.

Labcorp Genetics (formerly Invitae), Labcorp
Classification: Uncertain significance for Ataxia-telangiectasia syndrome. Last evaluated: 2024-07-15. Review status: criteria provided, single submitter. Criteria: Invitae Variant Classification Sherloc (09022015). Collection method: clinical testing. Allele origin: germline.
Comment: This sequence change falls in intron 16 of the ATM gene. It does not directly change the encoded amino acid sequence of the ATM protein. It affects a nucleotide within the consensus splice site. This variant is present in population databases (rs563482577, gnomAD 0.002%). This variant has not been reported in the literature in individuals affected with ATM-related conditions. ClinVar contains an entry for this variant (Variation ID: 482699). Variants that disrupt the consensus splice site are a relatively common cause of aberrant splicing (PMID: 17576681, 9536098). Algorithms developed to predict the effect of sequence changes on RNA splicing suggest that this variant may disrupt the consensus splice site. In summary, the available evidence is currently insufficient to determine the role of this variant in disease. Therefore, it has been classified as a Variant of Uncertain Significance.

Color Diagnostics, LLC DBA Color Health
Classification: Uncertain significance for Hereditary cancer-predisposing syndrome. Last evaluated: 2022-08-22. Review status: criteria provided, single submitter. Criteria: ACMG Guidelines, 2015. Collection method: clinical testing. Allele origin: germline.
Comment: This variant causes an A to C nucleotide substitution at the +4 position of intron 16 of the ATM gene. Splice site prediction tools predict that this variant may have a significant impact on RNA splicing. To our knowledge, functional studies have not been reported for this variant. This variant has not been reported in individuals affected with hereditary cancer in the literature. This variant has been identified in 2/250128 chromosomes in the general population by the Genome Aggregation Database (gnomAD). The available evidence is insufficient to determine the role of this variant in disease conclusively. Therefore, this variant is classified as a Variant of Uncertain Significance.

Department of Pathology and Laboratory Medicine, Sinai Health System
Classification: Uncertain significance for Familial cancer of breast. Last evaluated: 2020-07-27. Review status: criteria provided, single submitter. Criteria: ACMG Guidelines, 2015. Collection method: clinical testing. Allele origin: germline. Affected: yes.

Natera, Inc.
Classification: Uncertain significance for Ataxia-telangiectasia. Last evaluated: 2019-10-28. Review status: no assertion criteria provided. Collection method: clinical testing. Allele origin: germline. Not counted in ClinVar's aggregate classification.

Literature cited by the submitters: PubMed 17576681 (cited by Labcorp Genetics (formerly Invitae), Labcorp); PubMed 9536098 (cited by Labcorp Genetics (formerly Invitae), Labcorp).

NM_000051.4(ATM):c.2466+4A>C

Gene: ATM (ATM serine/threonine kinase; plus strand). Cytogenetic location: 11q22.3.
Variant type: single nucleotide variant.
Coding change: c.2466+4A>C on transcript NM_000051.4 (MANE Select); 4 bases into the intron after coding-DNA position 2466, A replaced by C.
Molecular consequence: intron variant.
Genome position (GRCh38, 1-based): chr11:108,259,079, A>C. VCF-style: chr11-108259079-A-C. GRCh37 (hg19) VCF-style: chr11-108129806-A-C.
Other names: c.2466+4A>C (NM_001351834.2).
Identifiers: ClinVar variation 482699 (VCV000482699.21), dbSNP rs563482577, ClinGen allele CA6265026.
Genomic context (GRCh38, chr11:108,259,079, plus strand): 5'-CTGCGATTGTTAACATCAAAGCTAATGAATGACATTGCAGATATTTGTAAAAGTTTAGTA[A>C]GTATGCTTCCTGTTTTGCTATCATATTTTGATTCTAATAGGCATAATTTTTTTGTTGAAA-3'